The following is an entry in ClinVar:

ClinVar aggregate classification (germline): Uncertain significance. Review status: criteria provided, multiple submitters, no conflicts (2 of 4 stars). 3 submissions from 3 submitters: Uncertain significance (3). Last evaluated 2026-09-02.

Conditions:
Hereditary cancer-predisposing syndrome. Also called: Tumor predisposition; Hereditary Cancer Syndrome; Hereditary neoplastic syndrome; Neoplastic Syndromes, Hereditary. Identifiers: Orphanet 140162, MedGen C0027672, MeSH D009386, MONDO:0015356.
Gorlin syndrome. Also called: Nevoid Basal Cell Carcinoma Syndrome; Basal cell nevus syndrome. Identifiers: Orphanet 377, MedGen C0004779, MONDO:0007187.

Submissions (3):

Ambry Genetics
Classification: Uncertain significance for Hereditary cancer-predisposing syndrome. Last evaluated: 2026-09-02. Review status: criteria provided, single submitter. Criteria: Ambry Variant Classification Scheme 2023. Collection method: clinical testing. Allele origin: germline.
Comment: The p.D1434G variant (also known as c.4301A>G), located in coding exon 23 of the PTCH1 gene, results from an A to G substitution at nucleotide position 4301. The aspartic acid at codon 1434 is replaced by glycine, an amino acid with similar properties. This amino acid position is conserved. In addition, this alteration is predicted to be deleterious by in silico analysis. Based on the available evidence, the clinical significance of this variant remains unclear.

Blueprint Genetics
Classification: Uncertain significance. Last evaluated: 2023-10-11. Review status: criteria provided, single submitter. Criteria: ACMG Guidelines, 2015. Collection method: clinical testing. Allele origin: germline.

Labcorp Genetics (formerly Invitae), Labcorp
Classification: Uncertain significance for Gorlin syndrome. Last evaluated: 2022-02-05. Review status: criteria provided, single submitter. Criteria: Invitae Variant Classification Sherloc (09022015). Collection method: clinical testing. Allele origin: germline.
Comment: Algorithms developed to predict the effect of missense changes on protein structure and function are either unavailable or do not agree on the potential impact of this missense change (SIFT: "Tolerated"; PolyPhen-2: "Probably Damaging"; Align-GVGD: "Class C0"). In summary, the available evidence is currently insufficient to determine the role of this variant in disease. Therefore, it has been classified as a Variant of Uncertain Significance. ClinVar contains an entry for this variant (Variation ID: 1051057). This variant has not been reported in the literature in individuals affected with PTCH1-related conditions. This variant is not present in population databases (gnomAD no frequency). This sequence change replaces aspartic acid, which is acidic and polar, with glycine, which is neutral and non-polar, at codon 1434 of the PTCH1 protein (p.Asp1434Gly).

NM_000264.5(PTCH1):c.4301A>G (p.Asp1434Gly)

Gene: PTCH1 (patched 1; minus strand). Cytogenetic location: 9q22.32.
Variant type: single nucleotide variant.
Coding change: c.4301A>G on transcript NM_000264.5 (MANE Select); coding-DNA position 4301, A replaced by G.
Protein change: p.Asp1434Gly; replaces aspartic acid 1434 with glycine.
Molecular consequence: missense variant. On other transcripts: non-coding transcript variant (1).
Genome position (GRCh38, 1-based): chr9:95,446,955, T>C on the plus strand (A>G on the coding strand, the complement: PTCH1 is on the minus strand). VCF-style: chr9-95446955-T-C. GRCh37 (hg19) VCF-style: chr9-98209237-T-C.
Other names: c.4103A>G, p.Asp1368Gly (NM_001083602.3); c.4298A>G, p.Asp1433Gly (NM_001083603.3); c.3848A>G, p.Asp1283Gly (NM_001083604.3, NM_001083605.3, NM_001083606.3 and 1 more transcripts); c.4145A>G, p.Asp1382Gly (NM_001354918.2); c.4301A>G (NM_000264.3); short protein forms D1283G, D1368G, D1382G, D1433G, D1434G.
Identifiers: ClinVar variation 1051057 (VCV001051057.13), dbSNP rs2136571074, ClinGen allele CA374109924.